The following is an entry in ClinVar:

NM_152419.3(HGSNAT):c.90G>T (p.Gly30=)

Genes: HGSNAT (heparan-alpha-glucosaminide N-acetyltransferase; plus strand), LOC130000316 (ATAC-STARR-seq lymphoblastoid silent region 19164; plus strand). Cytogenetic location: 8p11.21.
Variant type: single nucleotide variant.
Coding change: c.90G>T on transcript NM_152419.3 (MANE Select); coding-DNA position 90, G replaced by T.
Protein change: p.Gly30=; no amino-acid change (glycine 30 retained).
Molecular consequence: synonymous variant. On other transcripts: 5 prime UTR variant (1).
Genome position (GRCh38, 1-based): chr8:43,140,586, G>T. VCF-style: chr8-43140586-G-T. GRCh37 (hg19) VCF-style: chr8-42995729-G-T.
Other names: c.90G>T, p.Gly30= (NM_001363227.2, NM_001363228.2); c.-744G>T (NM_001363229.2); c.90G>T (NM_152419.2).
Identifiers: ClinVar variation 1113457 (VCV001113457.8), dbSNP rs1187482453, ClinGen allele CA460574551.

ClinVar aggregate classification (germline): Likely benign. Review status: criteria provided, multiple submitters, no conflicts (2 of 4 stars). 2 submissions from 2 submitters: Likely benign (2). Last evaluated 2026-01-12.

Conditions:
HGSNAT-related disorder. Also called: HGSNAT-related condition.
Mucopolysaccharidosis, MPS-III-C (MPS3C). Also called: MPS III C; Mucopolysaccharidosis type IIIC (Sanfilippo C); SANFILIPPO SYNDROME C; MUCOPOLYSACCHARIDOSIS, TYPE IIIC; mucopolysaccharidosis type 3C; MPS IIIC (Sanfilippo Syndrome Type C). Identifiers: Orphanet 581, Orphanet 79271, MedGen C0086649, MONDO:0009657, OMIM 252930.
Retinitis pigmentosa 73 (RP73). Identifiers: Orphanet 791, MedGen C4225287, MONDO:0014687, OMIM 616544.

Allele frequency attached by ClinVar (database versions not stated): gnomAD exomes 0.00006; gnomAD 0.00002; TOPMed 0.00002.
gnomAD v4.1: 9 of 1,234,500 alleles (0.00073%); highest among the groups gnomAD compares: Admixed American, 0.011%; no homozygotes.

Submissions (2):

Labcorp Genetics (formerly Invitae), Labcorp
Classification: Likely benign for Retinitis pigmentosa 73; Mucopolysaccharidosis, MPS-III-C. Last evaluated: 2026-01-12. Review status: criteria provided, single submitter. Criteria: Invitae Variant Classification Sherloc (09022015). Collection method: clinical testing. Allele origin: germline.

PreventionGenetics, part of Exact Sciences
Classification: Likely benign for HGSNAT-related condition. Last evaluated: 2025-12-08. Review status: criteria provided, single submitter. Criteria: ACMG Guidelines, 2015. Collection method: clinical testing. Allele origin: germline.
Comment: This variant is classified as likely benign based on ACMG/AMP sequence variant interpretation guidelines (Richards et al. 2015 PMID: 25741868, with internal and published modifications).